The following is an entry in ClinVar:

ClinVar aggregate classification (germline): Uncertain significance (1 of 4 stars; one submission).

Conditions:
Charcot-Marie-Tooth disease type 2. Also called: Charcot-Marie-Tooth type 2. Identifiers: Orphanet 64746, MedGen C0270914, MONDO:0018993.

Submission:

Labcorp Genetics (formerly Invitae), Labcorp
Classification: Uncertain significance for Charcot-Marie-Tooth disease type 2. Last evaluated: 2026-01-14. Review status: criteria provided, single submitter. Criteria: Invitae Variant Classification Sherloc (09022015). Collection method: clinical testing. Allele origin: germline.
Comment: This sequence change replaces proline, which is neutral and non-polar, with serine, which is neutral and polar, at codon 87 of the GARS protein (p.Pro87Ser). This variant is present in population databases (no rsID available, gnomAD 0.006%). This variant has not been reported in the literature in individuals affected with GARS-related conditions. Invitae Evidence Modeling of protein sequence and biophysical properties (such as structural, functional, and spatial information, amino acid conservation, physicochemical variation, residue mobility, and thermodynamic stability) indicates that this missense variant is not expected to disrupt GARS protein function with a negative predictive value of 80%. In summary, the available evidence is currently insufficient to determine the role of this variant in disease. Therefore, it has been classified as a Variant of Uncertain Significance.

NM_002047.4(GARS1):c.259C>T (p.Pro87Ser)

Gene: GARS1 (glycyl-tRNA synthetase 1; plus strand). Cytogenetic location: 7p14.3.
Variant type: single nucleotide variant.
Coding change: c.259C>T on transcript NM_002047.4 (MANE Select); coding-DNA position 259, C replaced by T.
Protein change: p.Pro87Ser; replaces proline 87 with serine.
Molecular consequence: missense variant.
Genome position (GRCh38, 1-based): chr7:30,598,832, C>T. VCF-style: chr7-30598832-C-T. GRCh37 (hg19) VCF-style: chr7-30638448-C-T.
Other names: c.97C>T, p.Pro33Ser (NM_001316772.1); short protein forms P87S, P33S.
Identifiers: ClinVar variation 4768885 (VCV004768885.1).
Genomic context (GRCh38, chr7:30,598,832, plus strand): 5'-ATATAAATTCTCTTTCTTGGCTAGGGAGATCTTGTGCGAAAACTCAAAGAAGATAAAGCA[C>T]CCCAAGTAGACGTAGACAAAGCAGTGGCTGAGCTCAAAGCCCGCAAGAGGGTTCTGGAAG-3'
Protein context (NP_002038.2, residues 77-97): LVRKLKEDKA[Pro87Ser]QVDVDKAVAE